The following is an entry in ClinVar:

NM_000218.3(KCNQ1):c.1608C>A (p.Tyr536Ter)

Gene: KCNQ1 (potassium voltage-gated channel subfamily Q member 1; plus strand). Cytogenetic location: 11p15.5.
Variant type: single nucleotide variant.
Coding change: c.1608C>A on transcript NM_000218.3 (MANE Select); coding-DNA position 1608, C replaced by A.
Protein change: p.Tyr536Ter; replaces tyrosine 536 with a stop codon.
Molecular consequence: nonsense.
Genome position (GRCh38, 1-based): chr11:2,775,977, C>A. VCF-style: chr11-2775977-C-A. GRCh37 (hg19) VCF-style: chr11-2797207-C-A.
Other names: p.Y536*:TAC>TAA; c.1512C>A, p.Tyr504Ter (NM_001406836.1); c.1338C>A, p.Tyr446Ter (NM_001406837.1); c.1068C>A, p.Tyr356Ter (NM_001406838.1); c.1227C>A, p.Tyr409Ter (NM_181798.2); short protein forms Y536*, Y409*, Y504*, Y356*, Y446*.
Identifiers: ClinVar variation 52997 (VCV000052997.14), dbSNP rs138551008, ClinGen allele CA005987.
Genomic context (GRCh38, chr11:2,775,977, plus strand): 5'-GGGCACAGGGAGGAGAAGTGATGCGTGTCTTTTTGTCCCGCAGCAAGCGCGGAAGCCTTA[C>A]GATGTGCGGGACGTCATTGAGCAGTACTCGCAGGGCCACCTCAACCTCATGGTGCGCATC-3'

ClinVar aggregate classification (germline): Pathogenic. Review status: criteria provided, multiple submitters, no conflicts (2 of 4 stars). 3 submissions from 3 submitters: Pathogenic (3). Last evaluated 2026-10-05.

Conditions:
Cardiovascular phenotype. Identifiers: MedGen CN230736.
Long QT syndrome (LQTS). Identifiers: MedGen C0023976, MeSH D008133, MONDO:0002442. Disease mechanism: loss of function. Inheritance: Various modes of inheritance.

Submissions (3):

GeneDx
Classification: Pathogenic. Last evaluated: 2026-10-05. Review status: criteria provided, single submitter. Criteria: GeneDx Variant Classification Process June 2021. Collection method: clinical testing. Allele origin: germline.
Comment: Not observed at significant frequency in large population cohorts (gnomAD); Nonsense variant predicted to result in protein truncation or nonsense mediated decay in a gene for which loss of function is a known mechanism of disease; This variant is associated with the following publications: (PMID: 19862833, 19841300, 15840476, 27871843, 16253912)

Labcorp Genetics (formerly Invitae), Labcorp
Classification: Pathogenic for Long QT syndrome. Last evaluated: 2025-07-01. Review status: criteria provided, single submitter. Criteria: Invitae Variant Classification Sherloc (09022015). Collection method: clinical testing. Allele origin: germline.
Comment: This sequence change creates a premature translational stop signal (p.Tyr536*) in the KCNQ1 gene. It is expected to result in an absent or disrupted protein product. Loss-of-function variants in KCNQ1 are known to be pathogenic (PMID: 9323054, 19862833). This variant is not present in population databases (gnomAD no frequency). This premature translational stop signal has been observed in individuals with KCNQ1-related conditions (PMID: 19841300, 27871843). ClinVar contains an entry for this variant (Variation ID: 52997). For these reasons, this variant has been classified as Pathogenic.

Ambry Genetics
Classification: Pathogenic for Cardiovascular phenotype. Last evaluated: 2025-04-19. Review status: criteria provided, single submitter. Criteria: Ambry Variant Classification Scheme 2023. Collection method: clinical testing. Allele origin: germline.
Comment: The p.Y536* pathogenic mutation (also known as c.1608C>A), located in coding exon 13 of the KCNQ1 gene, results from a C to A substitution at nucleotide position 1608. This changes the amino acid from a tyrosine to a stop codon within coding exon 13. This variant was reported in individual(s) with features consistent with long QT syndrome, and has been identified in conjunction with other KCNQ1 variant(s) in individual(s) with features consistent with Jervell and Lange-Nielsen syndrome (Kapa S et al. Circulation, 2009 Nov;120:1752-60; Chae H et al. Clin Chim Acta, 2017 Jan;464:128-135; Ambry internal data). This variant is considered to be rare based on population cohorts in the Genome Aggregation Database (gnomAD). This alteration is expected to result in loss of function by premature protein truncation or nonsense-mediated mRNA decay. As such, this alteration is interpreted as a disease-causing mutation.

Literature cited by the submitters: PubMed 9323054 (cited by Labcorp Genetics (formerly Invitae), Labcorp); PubMed 19862833 (cited by Labcorp Genetics (formerly Invitae), Labcorp); PubMed 19841300 (cited by Labcorp Genetics (formerly Invitae), Labcorp and Ambry Genetics); PubMed 27871843 (cited by Labcorp Genetics (formerly Invitae), Labcorp and Ambry Genetics).